The following is an entry in ClinVar:

ClinVar aggregate classification (germline): Likely benign (1 of 4 stars; one submission).

Allele frequency attached by ClinVar (database versions not stated): ExAC 0.00051; gnomAD 0.00137; TOPMed 0.00168; 1000 Genomes Project 30x 0.00172; 1000 Genomes Project 0.00200; ESP Exome Variant Server 0.00200.
gnomAD v4.1: 410 of 1,613,986 alleles (0.025%); highest among the groups gnomAD compares: African/African-American, 0.48%; 2 homozygotes.

Submission:

CeGaT Center for Human Genetics Tuebingen
Classification: Likely benign. Last evaluated: 2023-04-01. Review status: criteria provided, single submitter. Criteria: CeGaT Center For Human Genetics Tuebingen Variant Classification Criteria Version 2. Collection method: clinical testing. Allele origin: germline. Affected: yes. Observed: 1 variant allele.
Comment: CILP: BP4, BP7

NM_003613.4(CILP):c.567C>T (p.Ser189=)

Gene: CILP (cartilage intermediate layer protein; minus strand). Cytogenetic location: 15q22.31.
Variant type: single nucleotide variant.
Coding change: c.567C>T on transcript NM_003613.4 (MANE Select); coding-DNA position 567, C replaced by T.
Protein change: p.Ser189=; no amino-acid change (serine 189 retained).
Molecular consequence: synonymous variant.
Genome position (GRCh38, 1-based): chr15:65,205,324, G>A on the plus strand (C>T on the coding strand, the complement: CILP is on the minus strand). VCF-style: chr15-65205324-G-A. GRCh37 (hg19) VCF-style: chr15-65497662-G-A.
Identifiers: ClinVar variation 2645457 (VCV002645457.24), dbSNP rs146295641, ClinGen allele CA7615736.